The following is an entry in ClinVar:

NM_004789.4(LHX2):c.1043del (p.Gly348fs)

Gene: LHX2 (LIM homeobox 2; plus strand). Cytogenetic location: 9q33.3.
Variant type: Deletion.
Coding change: c.1043del on transcript NM_004789.4 (MANE Select); coding-DNA position 1043, one base deleted (G; older notation c.1043delG).
Protein change: p.Gly348fs; shifts the reading frame from glycine 348.
Molecular consequence: frameshift variant.
Genome position (GRCh38, 1-based): chr9:124,032,529, G deleted; the last of 3 consecutive G bases (chr9:124,032,527-124,032,529); deleting any one gives the same sequence. VCF-style (leftmost placement, unchanged base first): chr9-124032526-CG-C. GRCh37 (hg19) VCF-style: chr9-126794805-CG-C.
Other names: short protein forms G348fs.
Identifiers: ClinVar variation 4891466 (VCV004891466.1).
Genomic context (GRCh38, chr9:124,032,526, plus strand): 5'-GGCAGGAAAACACGGGCGTGGACAAGTCGACAGACGCGGCGCTGCAGACAGGGACGCCAT[CG>C]GGCCCGGCCTCGGAGCTCTCCAACGCCTCGCTCAGCCCCTCCAGCACGCCCACCACCCTG-3'

ClinVar aggregate classification (germline): Uncertain significance (1 of 4 stars; one submission).

Submission:

GeneDx
Classification: Uncertain significance. Last evaluated: 2026-02-24. Review status: criteria provided, single submitter. Criteria: GeneDx Variant Classification Process June 2021. Collection method: clinical testing. Allele origin: germline.
Comment: Frameshift variant predicted to result in abnormal protein length as the last 59 amino acids are replaced with 19 different amino acids; Not observed at significant frequency in large population cohorts (gnomAD); Has not been previously published as pathogenic or benign to our knowledge